The following is an entry in ClinVar:

ClinVar aggregate classification (germline): Uncertain significance (1 of 4 stars; one submission).

Conditions:
Infantile-onset ascending hereditary spastic paralysis (IAHSP). Also called: Infantile-Onset Ascending Hereditary Spastic Paralysis (IAHSP); Autosomal Recessive Juvenile Amyotrophic Lateral Sclerosis. Identifiers: Orphanet 293168, MedGen C2931441, MONDO:0011797, OMIM 607225. Disease mechanism: loss of function.

Submission:

Labcorp Genetics (formerly Invitae), Labcorp
Classification: Uncertain significance for Infantile-onset ascending hereditary spastic paralysis. Last evaluated: 2021-04-05. Review status: criteria provided, single submitter. Criteria: Invitae Variant Classification Sherloc (09022015). Collection method: clinical testing. Allele origin: germline.
Comment: In summary, the available evidence is currently insufficient to determine the role of this variant in disease. Therefore, it has been classified as a Variant of Uncertain Significance. Algorithms developed to predict the effect of missense changes on protein structure and function are either unavailable or do not agree on the potential impact of this missense change (SIFT: "Deleterious"; PolyPhen-2: "Probably Damaging"; Align-GVGD: "Class C0"). This variant has not been reported in the literature in individuals with ALS2-related conditions. This variant is not present in population databases (ExAC no frequency). This sequence change replaces tryptophan with glycine at codon 172 of the ALS2 protein (p.Trp172Gly). The tryptophan residue is moderately conserved and there is a large physicochemical difference between tryptophan and glycine.

NM_020919.4(ALS2):c.514T>G (p.Trp172Gly)

Gene: ALS2 (alsin Rho guanine nucleotide exchange factor ALS2; minus strand). Cytogenetic location: 2q33.1.
Variant type: single nucleotide variant.
Coding change: c.514T>G on transcript NM_020919.4 (MANE Select); coding-DNA position 514, T replaced by G.
Protein change: p.Trp172Gly; replaces tryptophan 172 with glycine.
Molecular consequence: missense variant.
Genome position (GRCh38, 1-based): chr2:201,761,480, A>C on the plus strand (T>G on the coding strand, the complement: ALS2 is on the minus strand). VCF-style: chr2-201761480-A-C. GRCh37 (hg19) VCF-style: chr2-202626203-A-C.
Other names: c.514T>G, p.Trp172Gly (NM_001135745.2); short protein forms W172G.
Identifiers: ClinVar variation 1479684 (VCV001479684.8), dbSNP rs2106089188, ClinGen allele CA350328689.
Genomic context (GRCh38, chr2:201,761,480, plus strand): 5'-GCTTTGTCACTGGGAAGGCAGTGGTAATGAGACCCAACTGACAACCGGTACCCCATGCCC[A>C]AATCTCTCTGCTTATTGACAATGCCAGAGTGTGCTCCTCGCCACACGCCAACTGTAAAAT-3'
Protein context (NP_065970.2, residues 162-182): TLALSISREI[Trp172Gly]AWGTGCQLGL